The following is an entry in ClinVar:

NM_033380.3(COL4A5):c.1166G>A (p.Gly389Glu)

Gene: COL4A5 (collagen type IV alpha 5 chain; plus strand). Cytogenetic location: Xq22.3.
Variant type: single nucleotide variant.
Coding change: c.1166G>A on transcript NM_033380.3 (MANE Select); coding-DNA position 1166, G replaced by A.
Protein change: p.Gly389Glu; replaces glycine 389 with glutamic acid.
Molecular consequence: missense variant.
Genome position (GRCh38, 1-based): chrX:108,591,058, G>A. VCF-style: chrX-108591058-G-A. GRCh37 (hg19) VCF-style: chrX-107834288-G-A.
Other names: c.1166G>A, p.Gly389Glu (NM_000495.5); short protein forms G389E.
Identifiers: ClinVar variation 4687842 (VCV004687842.1).

ClinVar aggregate classification (germline): Uncertain significance (1 of 4 stars; one submission).

Submission:

Women's Health and Genetics/Laboratory Corporation of America, LabCorp
Classification: Uncertain significance. Last evaluated: 2025-10-22. Review status: criteria provided, single submitter. Criteria: LabCorp Variant Classification Summary - May 2015. Collection method: clinical testing. Allele origin: germline.
Comment: Variant summary: COL4A5 c.1166G>A (p.Gly389Glu) results in a non-conservative amino acid change in the encoded protein sequence. Algorithms developed to predict the effect of missense changes on protein structure and function all suggest that this variant is likely to be disruptive. Several computational tools predict a significant impact on normal splicing: One predict the variant abolishes a 3' acceptor site. Two predict the variant weakens a 3' acceptor site. One predict the variant no significant impact on splicing. However, these predictions have yet to be confirmed by functional studies. The variant was absent in 182677 control chromosomes. The available data on variant occurrences in the general population are insufficient to allow any conclusion about variant significance. To our knowledge, no occurrence of c.1166G>A in individuals affected with COL4A5-related conditions and no experimental evidence demonstrating its impact on protein function have been reported. No submitters have cited clinical-significance assessments for this variant to ClinVar. Based on the evidence outlined above, the variant was classified as uncertain significance.